The following is an entry in ClinVar:

ClinVar aggregate classification (germline): Likely pathogenic (1 of 4 stars; one submission).

Conditions:
Neurodevelopmental-craniofacial syndrome with variable renal and cardiac abnormalities. Identifiers: MedGen C5561984, MONDO:0859190, OMIM 619522.

Submission:

Laboratorio de Genetica e Diagnostico Molecular, Hospital Israelita Albert Einstein
Classification: Likely pathogenic for Neurodevelopmental-craniofacial syndrome with variable renal and cardiac abnormalities. Last evaluated: 2025-12-19. Review status: criteria provided, single submitter. Criteria: ACMG Guidelines, 2015. Collection method: clinical testing. Allele origin: germline. Affected: yes.
Comment: ACMG classification criteria: PVS1 very strong, PM2 supporting

NM_197968.4(ZMYM2):c.1969-1G>C

Gene: ZMYM2 (zinc finger MYM-type containing 2; plus strand). Cytogenetic location: 13q12.11.
Variant type: single nucleotide variant.
Coding change: c.1969-1G>C on transcript NM_197968.4 (MANE Select); the canonical splice acceptor site of the intron before coding-DNA position 1969, G replaced by C.
Molecular consequence: splice acceptor variant.
Genome position (GRCh38, 1-based): chr13:20,034,253, G>C. VCF-style: chr13-20034253-G-C. GRCh37 (hg19) VCF-style: chr13-20608393-G-C.
Other names: c.1708-1G>C (NM_001353163.2); c.1969-1G>C (NM_001353157.2, NM_001353164.2, NM_001353159.2 and 5 more transcripts); c.1774-1G>C (NM_001353161.3).
Identifiers: ClinVar variation 4846967 (VCV004846967.1).